The following is an entry in ClinVar:

ClinVar aggregate classification (germline): Uncertain significance (1 of 4 stars; one submission).

Allele frequency attached by ClinVar (database versions not stated): gnomAD exomes below 0.00001.

Submission:

Labcorp Genetics (formerly Invitae), Labcorp
Classification: Uncertain significance. Last evaluated: 2022-07-15. Review status: criteria provided, single submitter. Criteria: Invitae Variant Classification Sherloc (09022015). Collection method: clinical testing. Allele origin: germline.
Comment: This variant has not been reported in the literature in individuals affected with AARS2-related conditions. In summary, the available evidence is currently insufficient to determine the role of this variant in disease. Therefore, it has been classified as a Variant of Uncertain Significance. Advanced modeling of protein sequence and biophysical properties (such as structural, functional, and spatial information, amino acid conservation, physicochemical variation, residue mobility, and thermodynamic stability) performed at Invitae indicates that this missense variant is not expected to disrupt AARS2 protein function. This variant is present in population databases (no rsID available, gnomAD 0.0009%). This sequence change replaces valine, which is neutral and non-polar, with isoleucine, which is neutral and non-polar, at codon 378 of the AARS2 protein (p.Val378Ile).

NM_020745.4(AARS2):c.1132G>A (p.Val378Ile)

Gene: AARS2 (alanyl-tRNA synthetase 2, mitochondrial; minus strand). Cytogenetic location: 6p21.1.
Variant type: single nucleotide variant.
Coding change: c.1132G>A on transcript NM_020745.4 (MANE Select); coding-DNA position 1132, G replaced by A.
Protein change: p.Val378Ile; replaces valine 378 with isoleucine.
Molecular consequence: missense variant.
Genome position (GRCh38, 1-based): chr6:44,306,940, C>T on the plus strand (G>A on the coding strand, the complement: AARS2 is on the minus strand). VCF-style: chr6-44306940-C-T. GRCh37 (hg19) VCF-style: chr6-44274677-C-T.
Other names: short protein forms V378I.
Identifiers: ClinVar variation 1964670 (VCV001964670.5), dbSNP rs935079773, ClinGen allele CA138391048.